The following is an entry in ClinVar:

ClinVar aggregate classification (germline): Uncertain significance (1 of 4 stars; one submission).

Conditions:
Hereditary cancer-predisposing syndrome. Also called: Neoplastic Syndromes, Hereditary; Tumor predisposition; Hereditary neoplastic syndrome; Hereditary Cancer Syndrome. Identifiers: Orphanet 140162, MedGen C0027672, MeSH D009386, MONDO:0015356.

Submission:

Ambry Genetics
Classification: Uncertain significance for Hereditary cancer-predisposing syndrome. Last evaluated: 2026-09-01. Review status: criteria provided, single submitter. Criteria: Ambry Variant Classification Scheme 2023. Collection method: clinical testing. Allele origin: germline.
Comment: The p.H837L variant (also known as c.2510A>T), located in coding exon 4 of the MSH6 gene, results from an A to T substitution at nucleotide position 2510. The histidine at codon 837 is replaced by leucine, an amino acid with similar properties. This amino acid position is conserved. In addition, this alteration is predicted to be deleterious by in silico analysis. Based on the available evidence, the clinical significance of this variant remains unclear.

NM_000179.3(MSH6):c.2510A>T (p.His837Leu)

Gene: MSH6 (mutS homolog 6; plus strand). Cytogenetic location: 2p16.3.
Variant type: single nucleotide variant.
Coding change: c.2510A>T on transcript NM_000179.3 (MANE Select); coding-DNA position 2510, A replaced by T.
Protein change: p.His837Leu; replaces histidine 837 with leucine.
Molecular consequence: missense variant. On other transcripts: non-coding transcript variant (5), intron variant (3).
Genome position (GRCh38, 1-based): chr2:47,800,493, A>T. VCF-style: chr2-47800493-A-T. GRCh37 (hg19) VCF-style: chr2-48027632-A-T.
Other names: c.1604A>T, p.His535Leu (NM_001406812.1, NM_001406814.1, NM_001406815.1 and 6 more transcripts); c.2516A>T, p.His839Leu (NM_001406813.1); c.2213A>T, p.His738Leu (NM_001406818.1, NM_001406819.1, NM_001406820.1 and 10 more transcripts); c.2120A>T, p.His707Leu (NM_001281492.2); c.2606A>T, p.His869Leu (NM_001406795.1, NM_001406802.1); c.2510A>T, p.His837Leu (NM_001406796.1, NM_001406798.1, NM_001406800.1 and 2 more transcripts); c.1985A>T, p.His662Leu (NM_001406799.1, NM_001406806.1, NM_001406807.1); c.2432A>T, p.His811Leu (NM_001406804.1); and 4 more; short protein forms H781L, H811L, H839L, H662L, H707L, H837L, H535L, H738L.
Identifiers: ClinVar variation 5024936 (VCV005024936.1).
Genomic context (GRCh38, chr2:47,800,493, plus strand): 5'-ATCTTGAGAGGCTACTCAGTAAAATTCATAATGTTGGGTCTCCCCTGAAGAGTCAGAACC[A>T]CCCAGACAGCAGGGCTATAATGTATGAAGAAACTACATACAGCAAGAAGAAGATTATTGA-3'
Protein context (NP_000170.1, residues 827-847): NVGSPLKSQN[His837Leu]PDSRAIMYEE